The following is an entry in ClinVar:

ClinVar aggregate classification (germline): Pathogenic. Review status: criteria provided, single submitter (1 of 4 stars). 2 submissions from 2 submitters: Pathogenic (1). 1 of the submissions does not count toward it. Last evaluated 2024-04-15.

Conditions:
RETINAL DYSTROPHY, ZEITZ-HAN TYPE (RDZH). Identifiers: MedGen CN381542, OMIM 621558.
Retinal dystrophy. Also called: Inherited retinal dystrophy. Identifiers: Orphanet 71862, MedGen C0854723, MeSH D058499, MONDO:0019118, HP:0000556.

Submissions (2):

NEI Ophthalmic Genomics Laboratory, National Institutes of Health
Classification: Pathogenic for Inherited retinal dystrophy. Last evaluated: 2024-04-15. Review status: criteria provided, single submitter. Criteria: ACMG Guidelines, 2015. Collection method: research. Allele origin: germline. Affected: yes.
Comment: The UBAP1L variant NM_001163692.2:c.634_644del was homozygous in three unrelated individuals with IRDs (PMIDs 39325468; 38293907). It was also found in trans with another pathogenic variant (PMID 38420906; PM3). This variant is rare in gnomAD v4.1.0 (AF 0.00001575; PM2) and is predicted to result in frameshift and premature truncation (PVS1). In summary, the variant NM_001163692.2:c.634_644del is classified as Pathogenic following the ACMG/AMP guidelines (PMID 25741868).

OMIM
Classification: Pathogenic for RETINAL DYSTROPHY, ZEITZ-HAN TYPE. Last evaluated: 2026-04-14. Review status: no assertion criteria provided. Collection method: literature only. Allele origin: germline. Not counted in ClinVar's aggregate classification.

Literature cited by the submitters: PubMed 38293907 (cited by OMIM); PubMed 39325468 (cited by OMIM).

NM_001163692.2(UBAP1L):c.634_644del (p.Ser212fs)

Gene: UBAP1L (ubiquitin associated protein 1 like; minus strand). Cytogenetic location: 15q22.31.
Variant type: Deletion.
Coding change: c.634_644del on transcript NM_001163692.2 (MANE Select); coding-DNA positions 634 to 644, 11 bases deleted (TCGCCCCCGCG).
Protein change: p.Ser212fs; shifts the reading frame from serine 212.
Molecular consequence: frameshift variant.
Genome position (GRCh38, 1-based): chr15:65,102,161-65,102,171, CGCGGGGGCGA deleted on the plus strand (TCGCCCCCGCG on the coding strand, the reverse complement: UBAP1L is on the minus strand); deleting any 11 consecutive bases within chr15:65,102,161-65,102,181 gives the same sequence; the c. name uses the placement nearest the transcript's 3' end. VCF-style (leftmost placement, unchanged base first): chr15-65102160-CCGCGGGGGCGA-C. GRCh37 (hg19) VCF-style: chr15-65394498-CCGCGGGGGCGA-C.
Other names: short protein forms S212fs.
Identifiers: ClinVar variation 3341498 (VCV003341498.3).